The following is an entry in ClinVar:

NM_001199107.2(TBC1D24):c.1399C>T (p.Leu467Phe)

Gene: TBC1D24 (TBC1 domain family member 24; plus strand). Cytogenetic location: 16p13.3.
Variant type: single nucleotide variant.
Coding change: c.1399C>T on transcript NM_001199107.2 (MANE Select); coding-DNA position 1399, C replaced by T.
Protein change: p.Leu467Phe; replaces leucine 467 with phenylalanine.
Molecular consequence: missense variant.
Genome position (GRCh38, 1-based): chr16:2,500,364, C>T. VCF-style: chr16-2500364-C-T. GRCh37 (hg19) VCF-style: chr16-2550365-C-T.
Other names: c.1381C>T, p.Leu461Phe (NM_020705.3); short protein forms L467F, L461F.
Identifiers: ClinVar variation 2921741 (VCV002921741.3), dbSNP rs951307443, ClinGen allele CA394380823.
Genomic context (GRCh38, chr16:2,500,364, plus strand): 5'-ATCAAGCACCCCGAGCTGACCAAGCCCCCACCCTTGATGGCTGCCGAGCCCACCGCCCCA[C>T]TCAGCCACTCCGCCTCCTCAGACCCCGCTGACCGCCTCTCGCCCTTCCTGGCCGCTCGCC-3'
Protein context (NP_001186036.1, residues 457-477): PLMAAEPTAP[Leu467Phe]SHSASSDPAD

ClinVar aggregate classification (germline): Uncertain significance (1 of 4 stars; one submission).

Conditions:
Autosomal dominant nonsyndromic hearing loss 65. Also called: Deafness, autosomal dominant 65; TBC1D24-Related Autosomal Dominant Nonsyndromic Hearing Loss (DFNA). Identifiers: Orphanet 90635, MedGen C3892048, MONDO:0014470, OMIM 616044.
Developmental and epileptic encephalopathy, 1 (DEE1). Also called: INFANTILE SPASM SYNDROME, X-LINKED 1; X-linked infantile spasms; West's syndrome; Tonic spasms with clustering, arrest of psychomotor development and hypsarrhythmia on EEG; X-Linked Infantile Spasm Syndrome; OHTAHARA SYNDROME, X-LINKED. Identifiers: MedGen C3463992, MONDO:0010632, OMIM 308350. Disease mechanism: loss of function.

gnomAD v4.1: 1 of 1,608,984 alleles (0.000062%); highest among the groups gnomAD compares: South Asian, 0.0011%; no homozygotes.

Submission:

Labcorp Genetics (formerly Invitae), Labcorp
Classification: Uncertain significance for Developmental and epileptic encephalopathy, 1; Autosomal dominant nonsyndromic hearing loss 65. Last evaluated: 2023-12-27. Review status: criteria provided, single submitter. Criteria: Invitae Variant Classification Sherloc (09022015). Collection method: clinical testing. Allele origin: germline.
Comment: This sequence change replaces leucine, which is neutral and non-polar, with phenylalanine, which is neutral and non-polar, at codon 467 of the TBC1D24 protein (p.Leu467Phe). This variant is not present in population databases (gnomAD no frequency). This variant has not been reported in the literature in individuals affected with TBC1D24-related conditions. Advanced modeling of protein sequence and biophysical properties (such as structural, functional, and spatial information, amino acid conservation, physicochemical variation, residue mobility, and thermodynamic stability) performed at Invitae indicates that this missense variant is not expected to disrupt TBC1D24 protein function with a negative predictive value of 95%. In summary, the available evidence is currently insufficient to determine the role of this variant in disease. Therefore, it has been classified as a Variant of Uncertain Significance.